The following is an entry in ClinVar:

NM_000152.5(GAA):c.665T>C (p.Val222Ala)

Gene: GAA (alpha glucosidase; plus strand). Cytogenetic location: 17q25.3.
Variant type: single nucleotide variant.
Coding change: c.665T>C on transcript NM_000152.5 (MANE Select); coding-DNA position 665, T replaced by C.
Protein change: p.Val222Ala; replaces valine 222 with alanine.
Molecular consequence: missense variant.
Genome position (GRCh38, 1-based): chr17:80,105,867, T>C. VCF-style: chr17-80105867-T-C. GRCh37 (hg19) VCF-style: chr17-78079666-T-C.
Other names: c.665T>C, p.Val222Ala (NM_001079803.3, NM_001079804.3, NM_001406741.1 and 1 more transcripts); short protein forms V222A.
Identifiers: ClinVar variation 4876283 (VCV004876283.1).

ClinVar aggregate classification (germline): Uncertain significance (1 of 4 stars; one submission).

Conditions:
Glycogen storage disease, type II (IOPD). Also called: Pompe Disease; CARDIOMEGALIA GLYCOGENICA DIFFUSA; GLYCOGENOSIS, GENERALIZED, CARDIAC FORM; GSD II; POMPE DISEASE, INFANTILE-ONSET; GLYCOGEN STORAGE DISEASE II, INFANTILE-ONSET. Identifiers: Orphanet 365, MedGen C0017921, MONDO:0009290, OMIM 232300.

Submission:

Genomenon, Inc
Classification: Uncertain significance for Glycogen storage disease, type II. Last evaluated: 2026-07-01. Review status: criteria provided, single submitter. Criteria: Genomenon Sequence Variant Interpretation Standards - Updated. Collection method: curation. Allele origin: germline. Affected: yes.
Comment: GAA p.Val222Ala (c.665T>C) is a missense variant that changes the amino acid at codon 222 from Valine to Alanine. This variant has been observed in at least one proband with a GAA-related disorder (PMID:31953985). It is absent or not present at a significant frequency in gnomAD. In silico models predict that this variant is not damaging. In conclusion, we classify GAA p.Val222Ala (c.665T>C) as a variant of uncertain significance.

Literature cited by the submitters: PubMed 31953985.